The following is an entry in ClinVar:

NM_144498.4(OSBPL2):c.888_890delinsATG (p.Phe296_Met297delinsLeuTrp)

Gene: OSBPL2 (oxysterol binding protein like 2; plus strand). Cytogenetic location: 20q13.33.
Variant type: Indel.
Coding change: c.888_890delinsATG on transcript NM_144498.4 (MANE Select); coding-DNA positions 888 to 890, TAT replaced by ATG.
Protein change: p.Phe296_Met297delinsLeuTrp.
Molecular consequence: missense variant.
Genome position (GRCh38, 1-based): chr20:62,284,061-62,284,063, TAT replaced by ATG. VCF-style: chr20-62284061-TAT-ATG. GRCh37 (hg19) VCF-style: chr20-60859117-TAT-ATG.
Other names: c.612_614delinsATG, p.Phe204_Met205delinsLeuTrp (NM_001278649.3, NM_001363878.2); c.852_854delinsATG, p.Phe284_Met285delinsLeuTrp (NM_014835.5).
Identifiers: ClinVar variation 1174532 (VCV001174532.2), dbSNP rs2145970580, ClinGen allele CA2573054899.

ClinVar aggregate classification (germline): Uncertain significance (1 of 4 stars; one submission).

Conditions:
Autosomal dominant nonsyndromic hearing loss 67. Also called: Deafness, autosomal dominant 67. Identifiers: Orphanet 90635, MedGen C4084712, MONDO:0014594, OMIM 616340.

Submission:

Center of Genomic medicine, Geneva, University Hospital of Geneva
Classification: Uncertain significance for Autosomal dominant nonsyndromic hearing loss 67. Last evaluated: 2018-08-07. Review status: criteria provided, single submitter. Criteria: ACMG Guidelines, 2015. Collection method: clinical testing. Allele origin: maternal. Affected: yes. Observed: 1 variant allele.